The following is an entry in ClinVar:

ClinVar aggregate classification (germline): Uncertain significance (1 of 4 stars; one submission).

Conditions:
Primary ciliary dyskinesia. Also called: Ciliary dyskinesia. Identifiers: Orphanet 244, MedGen C0008780, MONDO:0016575, HP:0012265.

Allele frequency attached by ClinVar (database versions not stated): gnomAD exomes 0.00001; TOPMed 0.00002.
gnomAD v4.1: 14 of 1,613,924 alleles (0.00087%); highest among the groups gnomAD compares: Admixed American, 0.0033%; 1 homozygote.

Submission:

Labcorp Genetics (formerly Invitae), Labcorp
Classification: Uncertain significance for Primary ciliary dyskinesia. Last evaluated: 2022-09-26. Review status: criteria provided, single submitter. Criteria: Invitae Variant Classification Sherloc (09022015). Collection method: clinical testing. Allele origin: germline.
Comment: In summary, the available evidence is currently insufficient to determine the role of this variant in disease. Therefore, it has been classified as a Variant of Uncertain Significance. This variant is present in population databases (no rsID available, gnomAD 0.006%). This variant has not been reported in the literature in individuals affected with DNAH5-related conditions. ClinVar contains an entry for this variant (Variation ID: 1506160). Advanced modeling of protein sequence and biophysical properties (such as structural, functional, and spatial information, amino acid conservation, physicochemical variation, residue mobility, and thermodynamic stability) performed at Invitae indicates that this missense variant is not expected to disrupt DNAH5 protein function. This sequence change replaces histidine, which is basic and polar, with arginine, which is basic and polar, at codon 1670 of the DNAH5 protein (p.His1670Arg).

NM_001369.3(DNAH5):c.5009A>G (p.His1670Arg)

Gene: DNAH5 (dynein axonemal heavy chain 5; minus strand). Cytogenetic location: 5p15.2.
Variant type: single nucleotide variant.
Coding change: c.5009A>G on transcript NM_001369.3 (MANE Select); coding-DNA position 5009, A replaced by G.
Protein change: p.His1670Arg; replaces histidine 1670 with arginine.
Molecular consequence: missense variant.
Genome position (GRCh38, 1-based): chr5:13,850,757, T>C on the plus strand (A>G on the coding strand, the complement: DNAH5 is on the minus strand). VCF-style: chr5-13850757-T-C. GRCh37 (hg19) VCF-style: chr5-13850866-T-C.
Other names: short protein forms H1670R.
Identifiers: ClinVar variation 1506160 (VCV001506160.7), dbSNP rs970902714, ClinGen allele CA113960484.